The following is an entry in ClinVar:

NM_000179.3(MSH6):c.1937A>G (p.Lys646Arg)

Gene: MSH6 (mutS homolog 6; plus strand). Cytogenetic location: 2p16.3.
Variant type: single nucleotide variant.
Coding change: c.1937A>G on transcript NM_000179.3 (MANE Select); coding-DNA position 1937, A replaced by G.
Protein change: p.Lys646Arg; replaces lysine 646 with arginine.
Molecular consequence: missense variant.
Genome position (GRCh38, 1-based): chr2:47,799,920, A>G. VCF-style: chr2-47799920-A-G. GRCh37 (hg19) VCF-style: chr2-48027059-A-G.
Other names: p.Lys646Arg; c.1547A>G, p.Lys516Arg (NM_001281492.2); c.1031A>G, p.Lys344Arg (NM_001281493.2, NM_001281494.2); short protein forms K646R, K344R, K516R.
Identifiers: ClinVar variation 237148 (VCV000237148.44), dbSNP rs201096652, ClinGen allele CA068286.

ClinVar aggregate classification (germline): Conflicting classifications of pathogenicity. Review status: criteria provided, conflicting classifications (1 of 4 stars). 13 submissions from 13 submitters: Uncertain significance (8); Likely benign (4). 1 of the submissions does not count toward it. Last evaluated 2026-01-28.

Conditions:
MSH6-related disorder. Also called: MSH6-related condition; MSH6-Related disorders.
Hereditary nonpolyposis colorectal neoplasms. Identifiers: MedGen C0009405, MeSH D003123.
Breast and/or ovarian cancer. Identifiers: MedGen CN221562.
Hereditary cancer-predisposing syndrome. Also called: Neoplastic Syndromes, Hereditary; Hereditary neoplastic syndrome; Hereditary Cancer Syndrome; Tumor predisposition. Identifiers: Orphanet 140162, MedGen C0027672, MeSH D009386, MONDO:0015356.
Lynch syndrome. Identifiers: Orphanet 144, MedGen C4552100, MONDO:0005835. Disease mechanism: loss of function.
Endometrial carcinoma. Also called: Endometrial carcinoma, somatic. Identifiers: MedGen C0476089, MONDO:0002447, OMIM 608089, HP:0012114.
Malignant tumor of breast. Also called: Malignant breast neoplasm; Cancer breast. Identifiers: MedGen C0006142, MONDO:0007254. Disease mechanism: loss of function.

Allele frequency attached by ClinVar (database versions not stated): gnomAD 0.00001; gnomAD exomes 0.00001 and 0.00004; TOPMed 0.00003; ExAC 0.00005; 1000 Genomes Project 30x 0.00016; 1000 Genomes Project 0.00020.
gnomAD v4.1: 23 of 1,614,170 alleles (0.0014%); highest among the groups gnomAD compares: East Asian, 0.045%; no homozygotes.

Submissions (13):

Labcorp Genetics (formerly Invitae), Labcorp
Classification: Likely benign for Hereditary nonpolyposis colorectal neoplasms. Last evaluated: 2026-01-28. Review status: criteria provided, single submitter. Criteria: Invitae Variant Classification Sherloc (09022015). Collection method: clinical testing. Allele origin: germline.

PreventionGenetics, part of Exact Sciences
Classification: Likely benign for MSH6-related condition. Last evaluated: 2025-09-10. Review status: criteria provided, single submitter. Criteria: ACMG Guidelines, 2015. Collection method: clinical testing. Allele origin: germline.
Comment: This variant is classified as likely benign based on ACMG/AMP sequence variant interpretation guidelines (Richards et al. 2015 PMID: 25741868, with internal and published modifications).

All of Us Research Program, National Institutes of Health
Classification: Uncertain significance for Lynch syndrome. Last evaluated: 2024-09-23. Review status: criteria provided, single submitter. Criteria: ACMG Guidelines, 2015. Collection method: clinical testing. Allele origin: germline. Inheritance: Autosomal dominant inheritance. Observed: 4 variant alleles, 4 heterozygotes.
Comment: This missense variant replaces lysine with arginine at codon 646 of the MSH6 protein. Computational prediction tool suggests that this variant may not impact protein structure and function (internally defined REVEL score threshold <=0.5, PMID: 27666373). To our knowledge, functional studies have not been performed for this variant. This variant has been reported in individuals affected with breast cancer (PMID: 26689913, 30982232), and in an individual affected with endometrial cancer that did not meet Amsterdam II criteria or revised Bethesda guidelines (PMID: 31307542). This variant has been identified in 9/251204 chromosomes in the general population by the Genome Aggregation Database (gnomAD). The available evidence is insufficient to determine the role of this variant in disease conclusively. Therefore, this variant is classified as a Variant of Uncertain Significance.

This study involves interpretation of variants in research participants for the purpose of population health screening. Participant phenotype was not available at the time of variant classification. Additional details can be found in publication PMID: 35346344, PMCID: PMC8962531

Color Diagnostics, LLC DBA Color Health
Classification: Uncertain significance for Hereditary cancer-predisposing syndrome. Last evaluated: 2024-06-13. Review status: criteria provided, single submitter. Criteria: ACMG Guidelines, 2015. Collection method: clinical testing. Allele origin: germline.
Comment: This missense variant replaces lysine with arginine at codon 646 of the MSH6 protein. Computational prediction tool suggests that this variant may not impact protein structure and function (internally defined REVEL score threshold <= 0.5, PMID: 27666373). To our knowledge, functional studies have not been performed for this variant. This variant has been reported in an individual affected with mismatch repair deficient gastric cancer (PMID: 37007083), an individual affected with breast cancer (PMID: 26689913, 30982232), and in an individual affected with endometrial cancer that did not meet Amsterdam II criteria or revised Bethesda guidelines (PMID: 31307542). This variant has been identified in 9/251204 chromosomes in the general population by the Genome Aggregation Database (gnomAD). The available evidence is insufficient to determine the role of this variant in disease conclusively. Therefore, this variant is classified as a Variant of Uncertain Significance.

Baylor Genetics
Classification: Uncertain significance for Endometrial carcinoma. Last evaluated: 2023-10-22. Review status: criteria provided, single submitter. Criteria: ACMG Guidelines, 2015. Collection method: clinical testing. Allele origin: unknown.

Clinical Genetics Laboratory, Skane University Hospital Lund
Classification: Uncertain significance. Last evaluated: 2022-05-27. Review status: criteria provided, single submitter. Criteria: ACMG Guidelines, 2015. Collection method: clinical testing. Allele origin: germline. Affected: yes.

Mayo Clinic Laboratories, Mayo Clinic
Classification: Uncertain significance. Last evaluated: 2021-04-29. Review status: criteria provided, single submitter. Criteria: ACMG Guidelines, 2015. Collection method: clinical testing. Allele origin: germline.

CHEO Genetics Diagnostic Laboratory, Children's Hospital of Eastern Ontario
Classification: Uncertain significance for Breast and/or ovarian cancer. Last evaluated: 2021-03-12. Review status: criteria provided, single submitter. Criteria: ACMG Guidelines, 2015. Collection method: clinical testing. Allele origin: germline.

Women's Health and Genetics/Laboratory Corporation of America, LabCorp
Classification: Uncertain significance. Last evaluated: 2019-07-18. Review status: criteria provided, single submitter. Criteria: LabCorp Variant Classification Summary - May 2015. Collection method: clinical testing. Allele origin: germline.
Comment: Variant summary: MSH6 c.1937A>G (p.Lys646Arg) results in a conservative amino acid change located in the connector domain (IPR007860) of the encoded protein sequence. Five of five in-silico tools predict a benign effect of the variant on protein function, in addition, a bioinformatics tool developed to predict the impact of missense variants in MSH6, indicated no impact on protein function (Terui 2013). The variant allele was found at a frequency of 3.6e-05 in 251204 control chromosomes, predominantly within the East Asian subpopulation at a frequency of 0.00043 in the gnomAD database, which is higher than the expected maximum for a pathogenic variant in MSH6 (0.00014), supporting a benign role for the variant. c.1937A>G has been reported in the literature in individuals affected with breast and/or ovarian cancer (Lu_2015, Wang_2019, Samuel_2019, Yehia_2018), and one of these individuals had a positive family history for colon cancer (Samuel_2019). These reports do not provide unequivocal conclusions about association of the variant with Lynch Syndrome. Co-occurrences with other pathogenic variant(s) have been reported (MSH6, p.K1228fs*2), providing supporting evidence for a benign role (Yehia_2018). To our knowledge, no experimental evidence demonstrating an impact on protein function has been reported. Four submitters have provided clinical-significance assessments for this variant in ClinVar after 2014, and classified the variant as VUS (3x) or likely benign (1x). Based on the evidence outlined above, the variant was classified as VUS-possibly benign.

Quest Diagnostics Nichols Institute San Juan Capistrano
Classification: Uncertain significance. Last evaluated: 2019-06-20. Review status: criteria provided, single submitter. Criteria: Quest Diagnostics criteria. Collection method: clinical testing. Allele origin: germline.

GeneDx
Classification: Likely benign. Last evaluated: 2018-10-19. Review status: criteria provided, single submitter. Criteria: GeneDx Variant Classification Process June 2021. Collection method: clinical testing. Allele origin: germline. Affected: yes.
Comment: This variant is associated with the following publications: (PMID: 23621914, 26689913, 29338689, 31386297)

Ambry Genetics
Classification: Likely benign for Hereditary cancer-predisposing syndrome. Last evaluated: 2018-07-10. Review status: criteria provided, single submitter. Criteria: Ambry Variant Classification Scheme 2023. Collection method: clinical testing. Allele origin: germline.

Department of Pathology and Laboratory Medicine, Sinai Health System
Classification: Uncertain significance for Malignant tumor of breast. Review status: no assertion criteria provided. Collection method: clinical testing. Allele origin: unknown. Affected: yes. Study: The Canadian Open Genetics Repository (COGR). Not counted in ClinVar's aggregate classification.
Comment: The MSH6 p.Lys646Arg variant was not identified in the literature nor was it identified in the GeneInsight-COGR, MutDB, UMD-LSDB, Insight Colon Cancer Gene Variant Database, Zhejiang Colon Cancer Database, Mismatch Repair Genes Variant Database, or Insight Hereditary Tumors databases. The variant was identified in dbSNP (ID: rs201096652) as â€šÃ„ÃºWith Uncertain significance alleleâ€šÃ„Ã¹, in ClinVar and Clinvitae (classified as uncertain significance by Invitae, GeneDx and Color Genomics; and likely benign by Ambry Genetics), and COSMIC databases (confirmed somatic in one case of gastric adenocarcinoma). The variant was identified in control databases in 8 of 245948 chromosomes at a frequency of 0.00003 (Genome Aggregation Database Feb 27, 2017). Breakdown of the observations by population include East Asian in 7 of 17248 chromosomes (freq: 0.0004), and South Asian in 1 of 30782 chromosomes (freq: 0.00003) while the variant was not observed in the African, Other, Latino, European Non-Finnish, Ashkenazi Jewish, or Finnish populations. The p.Lys646 residue is conserved in in mammals but not in more distantly related organisms however computational analyses (PolyPhen-2, SIFT, AlignGVGD, BLOSUM, MutationTaster) do not suggest a high likelihood of impact to the protein; this information is not predictive enough to rule out pathogenicity. The variant occurs outside of the splicing consensus sequence and in silico or computational prediction software programs (SpliceSiteFinder, MaxEntScan, NNSPLICE, GeneSplicer, HumanSpliceFinder) do not predict a difference in splicing. In summary, based on the above information the clinical significance of this variant cannot be determined with certainty at this time. This variant is classified as a variant of uncertain significance.

Literature cited by the submitters: PubMed 26689913 (cited by 4 submitters); PubMed 30982232 (cited by 3 submitters); PubMed 31307542 (cited by All of Us Research Program, National Institutes of Health and Color Diagnostics, LLC DBA Color Health); PubMed 37007083 (cited by Color Diagnostics, LLC DBA Color Health); PubMed 23621914 (cited by Women's Health and Genetics/Laboratory Corporation of America, LabCorp and Quest Diagnostics Nichols Institute San Juan Capistrano); PubMed 29684080 (cited by Women's Health and Genetics/Laboratory Corporation of America, LabCorp); PubMed 29338689 (cited by Quest Diagnostics Nichols Institute San Juan Capistrano); PubMed 17531815 (cited by Ambry Genetics).